The following is an entry in ClinVar:

NM_001083116.3(PRF1):c.218G>A (p.Cys73Tyr)

Gene: PRF1 (perforin 1; minus strand). Cytogenetic location: 10q22.1.
Variant type: single nucleotide variant.
Coding change: c.218G>A on transcript NM_001083116.3 (MANE Select); coding-DNA position 218, G replaced by A.
Protein change: p.Cys73Tyr; replaces cysteine 73 with tyrosine.
Molecular consequence: missense variant.
Genome position (GRCh38, 1-based): chr10:70,600,685, C>T on the plus strand (G>A on the coding strand, the complement: PRF1 is on the minus strand). VCF-style: chr10-70600685-C-T. GRCh37 (hg19) VCF-style: chr10-72360441-C-T.
Other names: c.218G>A, p.Cys73Tyr (NM_005041.6); short protein forms C73Y.
Identifiers: ClinVar variation 2678065 (VCV002678065.3), dbSNP rs759913385, ClinGen allele CA5539095.

ClinVar aggregate classification (germline): Likely pathogenic. Review status: criteria provided, multiple submitters, no conflicts (2 of 4 stars). 2 submissions from 2 submitters: Likely pathogenic (2). Last evaluated 2025-01-30.

Conditions:
Aplastic anemia. Identifiers: Orphanet 182040, Orphanet 88, MedGen C0002874, MONDO:0015909, OMIM 609135, HP:0001915.
Familial hemophagocytic lymphohistiocytosis 2 (FHL2). Also called: PRF1-Related Familial Hemophagocytic Lymphohistiocytosis (PRF1-fHLH). Identifiers: Orphanet 540, MedGen C1863727, MONDO:0011337, OMIM 603553.

Allele frequency attached by ClinVar (database versions not stated): ExAC 0.00001.

Submissions (2):

Labcorp Genetics (formerly Invitae), Labcorp
Classification: Likely pathogenic for Familial hemophagocytic lymphohistiocytosis 2. Last evaluated: 2025-01-30. Review status: criteria provided, single submitter. Criteria: Invitae Variant Classification Sherloc (09022015). Collection method: clinical testing. Allele origin: germline.
Comment: This sequence change replaces cysteine, which is neutral and slightly polar, with tyrosine, which is neutral and polar, at codon 73 of the PRF1 protein (p.Cys73Tyr). This variant is present in population databases (rs759913385, gnomAD 0.009%). This missense change has been observed in individual(s) with hemophagocytic lymphohistiocytosis (PMID: 30539918). In at least one individual the data is consistent with being in trans (on the opposite chromosome) from a pathogenic variant. ClinVar contains an entry for this variant (Variation ID: 2678065). Invitae Evidence Modeling of protein sequence and biophysical properties (such as structural, functional, and spatial information, amino acid conservation, physicochemical variation, residue mobility, and thermodynamic stability) indicates that this missense variant is expected to disrupt PRF1 protein function with a positive predictive value of 95%. This variant disrupts the p.Cys73 amino acid residue in PRF1. Other variant(s) that disrupt this residue have been observed in individuals with PRF1-related conditions (PMID: 14757862, 15755897), which suggests that this may be a clinically significant amino acid residue. In summary, the currently available evidence indicates that the variant is pathogenic, but additional data are needed to prove that conclusively. Therefore, this variant has been classified as Likely Pathogenic.

Baylor Genetics
Classification: Likely pathogenic for Aplastic anemia. Last evaluated: 2021-11-01. Review status: criteria provided, single submitter. Criteria: ACMG Guidelines, 2015. Collection method: clinical testing. Allele origin: unknown.

Literature cited by the submitters: PubMed 30539918 (cited by Labcorp Genetics (formerly Invitae), Labcorp); PubMed 14757862 (cited by Labcorp Genetics (formerly Invitae), Labcorp); PubMed 15755897 (cited by Labcorp Genetics (formerly Invitae), Labcorp).